The following is an entry in ClinVar:

ClinVar aggregate classification (germline): Uncertain significance (1 of 4 stars; one submission).

Conditions:
DYRK1B-related disorder. Also called: DYRK1B-related condition.

Submission:

PreventionGenetics, part of Exact Sciences
Classification: Uncertain significance for DYRK1B-related condition. Last evaluated: 2026-03-27. Review status: criteria provided, single submitter. Criteria: ACMG Guidelines, 2015. Collection method: clinical testing. Allele origin: germline.
Comment: The DYRK1B c.256_258delAAG variant is predicted to result in an in-frame deletion (p.Lys86del). This variant has been reported in a cohort study about rare variants involved in diabetes and obesity (Table S2, Folon et al. 2024. PubMed ID: 38170957). This variant is reported in 0.0029% of alleles in individuals of Latino descent in gnomAD. At this time, the clinical significance of this variant is uncertain due to the absence of conclusive functional and genetic evidence.

NM_004714.3(DYRK1B):c.253AAG[1] (p.Lys86del)

Gene: DYRK1B (dual specificity tyrosine phosphorylation regulated kinase 1B; minus strand). Cytogenetic location: 19q13.2.
Variant type: Microsatellite.
Coding change: c.253AAG[1] on transcript NM_004714.3 (MANE Select); one copy of the 3-base unit AAG starting at c.253; the reference has two copies in a row; one copy, 3 bases deleted.
Protein change: p.Lys86del; deletes lysine 86.
Molecular consequence: inframe deletion.
Genome position (GRCh38, 1-based): chr19:39,830,489-39,830,491, CTT deleted on the plus strand (AAG on the coding strand, the reverse complement: DYRK1B is on the minus strand); deleting any 3 consecutive bases within chr19:39,830,489-39,830,496 gives the same sequence; the position shown is the placement nearest the transcript's 3' end. VCF-style (leftmost placement, unchanged base first): chr19-39830488-CCTT-C. GRCh37 (hg19) VCF-style: chr19-40321128-CCTT-C.
Other names: c.253AAG[1], p.Lys86del (NM_006483.3, NM_006484.3); short protein forms K86del.
Identifiers: ClinVar variation 3356976 (VCV003356976.2).
Genomic context (GRCh38, chr19:39,830,488, plus strand): 5'-AGCGCTCGCCACTGCGCACGATGTAGTCATGGTTGTCGTCATCATAACCATGGTTCAGGA[CCTT>C]CTTCTCCTTCTTGTTGCTCGAATCCTGGGGTGGCGCCTGCTGGGCCCGCCGCTTCTTCTT-3'